The following is an entry in ClinVar:

NM_001170629.2(CHD8):c.5692G>A (p.Glu1898Lys)

Gene: CHD8 (chromodomain helicase DNA binding protein 8; minus strand). Cytogenetic location: 14q11.2.
Variant type: single nucleotide variant.
Coding change: c.5692G>A on transcript NM_001170629.2 (MANE Select); coding-DNA position 5692, G replaced by A.
Protein change: p.Glu1898Lys; replaces glutamic acid 1898 with lysine.
Molecular consequence: missense variant.
Genome position (GRCh38, 1-based): chr14:21,394,103, C>T on the plus strand (G>A on the coding strand, the complement: CHD8 is on the minus strand). VCF-style: chr14-21394103-C-T. GRCh37 (hg19) VCF-style: chr14-21862262-C-T.
Other names: c.4855G>A, p.Glu1619Lys (NM_020920.4); short protein forms E1619K, E1898K.
Identifiers: ClinVar variation 5042028 (VCV005042028.1).

ClinVar aggregate classification (germline): Uncertain significance (1 of 4 stars; one submission).

Conditions:
Intellectual developmental disorder with autism and macrocephaly. Also called: Autism, susceptibility to, 18; CHD8-Related Neurodevelopmental Disorder with Overgrowth. Identifiers: Orphanet 642675, MedGen C3554373, MONDO:0014017, OMIM 615032.

Submission:

Clinical Genetics Laboratory, University Hospital Schleswig-Holstein
Classification: Uncertain significance for Intellectual developmental disorder with autism and macrocephaly. Last evaluated: 2025-03-10. Review status: criteria provided, single submitter. Criteria: ACMG Guidelines, 2015. Collection method: clinical testing. Allele origin: germline. Affected: yes. Observed: 1 heterozygote.
Comment: ACMG criteria applied: PM2, PP3